The following is an entry in ClinVar:

ClinVar aggregate classification (germline): Likely benign. Review status: criteria provided, multiple submitters, no conflicts (2 of 4 stars). 2 submissions from 2 submitters: Likely benign (2). Last evaluated 2026-02-19.

Conditions:
SCN9A-related disorder. Also called: SCN9A-related condition; SCN9A-related disorders.
Generalized epilepsy with febrile seizures plus, type 7 (GEFSP7). Also called: GEFS+, TYPE 7. Identifiers: Orphanet 36387, MedGen C2751778, MONDO:0013470, OMIM 613863.
Neuropathy, hereditary sensory and autonomic, type 2A (HSAN2A). Also called: ACROOSTEOLYSIS, GIACCAI TYPE; ACROOSTEOLYSIS, NEUROGENIC; MORVAN DISEASE; NEUROPATHY, CONGENITAL SENSORY; NEUROPATHY, HEREDITARY SENSORY RADICULAR, AUTOSOMAL RECESSIVE; NEUROPATHY, HEREDITARY SENSORY, TYPE IIA. Identifiers: Orphanet 970, MedGen C2752089, MONDO:0024309, OMIM 201300.

Allele frequency attached by ClinVar (database versions not stated): gnomAD 0.00001; gnomAD exomes 0.00001 and 0.00005; TOPMed 0.00002.
gnomAD v4.1: 66 of 1,612,486 alleles (0.0041%); highest among the groups gnomAD compares: Non-Finnish European, 0.0053%; no homozygotes.

Submissions (2):

PreventionGenetics, part of Exact Sciences
Classification: Likely benign for SCN9A-related condition. Last evaluated: 2026-02-19. Review status: criteria provided, single submitter. Criteria: ACMG Guidelines, 2015. Collection method: clinical testing. Allele origin: germline.
Comment: This variant is classified as likely benign based on ACMG/AMP sequence variant interpretation guidelines (Richards et al. 2015 PMID: 25741868, with internal and published modifications).

Labcorp Genetics (formerly Invitae), Labcorp
Classification: Likely benign for Neuropathy, hereditary sensory and autonomic, type 2A; Generalized epilepsy with febrile seizures plus, type 7. Last evaluated: 2022-10-24. Review status: criteria provided, single submitter. Criteria: Invitae Variant Classification Sherloc (09022015). Collection method: clinical testing. Allele origin: germline.

NM_001365536.1(SCN9A):c.204C>T (p.Pro68=)

Gene: SCN9A (sodium voltage-gated channel alpha subunit 9; minus strand). Cytogenetic location: 2q24.3.
Variant type: single nucleotide variant.
Coding change: c.204C>T on transcript NM_001365536.1 (MANE Select); coding-DNA position 204, C replaced by T.
Protein change: p.Pro68=; no amino-acid change (proline 68 retained).
Molecular consequence: synonymous variant.
Genome position (GRCh38, 1-based): chr2:166,311,553, G>A on the plus strand (C>T on the coding strand, the complement: SCN9A is on the minus strand). VCF-style: chr2-166311553-G-A. GRCh37 (hg19) VCF-style: chr2-167168063-G-A.
Other names: c.204C>T, p.Pro68= (NM_002977.4).
Identifiers: ClinVar variation 1102646 (VCV001102646.10), dbSNP rs1011434055, ClinGen allele CA59810368.